The following is an entry in ClinVar:

NM_007289.4(MME):c.1497+1G>A

Gene: MME (membrane metalloendopeptidase; plus strand). Cytogenetic location: 3q25.2.
Variant type: single nucleotide variant.
Coding change: c.1497+1G>A on transcript NM_007289.4 (MANE Select); the canonical splice donor site of the intron after coding-DNA position 1497, G replaced by A.
Molecular consequence: splice donor variant.
Genome position (GRCh38, 1-based): chr3:155,147,225, G>A. VCF-style: chr3-155147225-G-A. GRCh37 (hg19) VCF-style: chr3-154865014-G-A.
Other names: c.1497+1G>A (NM_001354642.2, NM_000902.5, NM_007287.4 and 2 more transcripts).
Identifiers: ClinVar variation 3677029 (VCV003677029.3).

ClinVar aggregate classification (germline): Likely pathogenic. Review status: criteria provided, multiple submitters, no conflicts (2 of 4 stars). 2 submissions from 2 submitters: Likely pathogenic (2). Last evaluated 2024-11-30.

Conditions:
MME-related disorder. Also called: MME-related condition.

gnomAD v4.1: 3 of 1,574,370 alleles (0.00019%); highest among the groups gnomAD compares: Non-Finnish European, 0.00026%; no homozygotes.

Submissions (2):

Labcorp Genetics (formerly Invitae), Labcorp
Classification: Likely pathogenic. Last evaluated: 2024-11-30. Review status: criteria provided, single submitter. Criteria: Invitae Variant Classification Sherloc (09022015). Collection method: clinical testing. Allele origin: germline.
Comment: This sequence change affects a donor splice site in intron 15 of the MME gene. It is expected to disrupt RNA splicing. Variants that disrupt the donor or acceptor splice site typically lead to a loss of protein function (PMID: 16199547), and loss-of-function variants in MME are known to be pathogenic (PMID: 26991897). This variant is not present in population databases (gnomAD no frequency). Disruption of this splice site has been observed in individual(s) with clinical features of MME-related conditions (PMID: 37273706). Algorithms developed to predict the effect of sequence changes on RNA splicing suggest that this variant may disrupt the consensus splice site. In summary, the currently available evidence indicates that the variant is pathogenic, but additional data are needed to prove that conclusively. Therefore, this variant has been classified as Likely Pathogenic.

Blueprint Genetics
Classification: Likely pathogenic for MME-related disorders. Last evaluated: 2019-12-17. Review status: criteria provided, single submitter. Criteria: ACMG Guidelines, 2015. Collection method: clinical testing. Allele origin: germline. Affected: yes. Observed: 1 variant allele.

Literature cited by the submitters: PubMed 16199547 (cited by Labcorp Genetics (formerly Invitae), Labcorp); PubMed 26991897 (cited by Labcorp Genetics (formerly Invitae), Labcorp); PubMed 37273706 (cited by Labcorp Genetics (formerly Invitae), Labcorp).